The following is an entry in ClinVar:

ClinVar aggregate classification (germline): Pathogenic (1 of 4 stars; one submission).

Conditions:
Early-infantile DEE. Also called: Early infantile epileptic encephalopathy with suppression bursts; Early infantile epileptic encephalopathy; Ohtahara syndrome. Identifiers: Orphanet 1934, MedGen C0393706, MONDO:0800491.

Submission:

Labcorp Genetics (formerly Invitae), Labcorp
Classification: Pathogenic for Early-infantile DEE. Last evaluated: 2021-09-04. Review status: criteria provided, single submitter. Criteria: Invitae Variant Classification Sherloc (09022015). Collection method: clinical testing. Allele origin: germline.
Comment: This sequence change affects an acceptor splice site in intron 19 of the SCN1A gene. It is expected to disrupt RNA splicing. Variants that disrupt the donor or acceptor splice site typically lead to a loss of protein function (PMID: 16199547), and loss-of-function variants in SCN1A are known to be pathogenic (PMID: 17347258, 18930999). For these reasons, this variant has been classified as Pathogenic. Algorithms developed to predict the effect of sequence changes on RNA splicing suggest that this variant may disrupt the consensus splice site. ClinVar contains an entry for this variant (Variation ID: 580764). Disruption of this splice site has been observed in individual(s) with Dravet syndrome (PMID: 18930999). In at least one individual the variant was observed to be de novo. This variant is not present in population databases (ExAC no frequency).

Literature cited by the submitters: PubMed 16199547; PubMed 17347258; PubMed 18930999.

NM_001165963.4(SCN1A):c.3880-1G>T

Genes: SCN1A (sodium voltage-gated channel alpha subunit 1; minus strand), LOC102724058 (uncharacterized LOC102724058; plus strand). Cytogenetic location: 2q24.3.
Variant type: single nucleotide variant.
Coding change: c.3880-1G>T on transcript NM_001165963.4 (MANE Select); the canonical splice acceptor site of the intron before coding-DNA position 3880, G replaced by T.
Molecular consequence: splice acceptor variant.
Genome position (GRCh38, 1-based): chr2:166,009,842, C>A on the plus strand (G>T on the coding strand, the complement: SCN1A is on the minus strand). VCF-style: chr2-166009842-C-A. GRCh37 (hg19) VCF-style: chr2-166866352-C-A.
Other names: c.3847-1G>T (NM_001353949.2, NM_001353950.2, NM_001353951.2 and 2 more transcripts); c.3796-1G>T (NM_001353958.2, NM_001353957.2, NM_001165964.3); c.3880-1G>T (NM_001202435.3, NM_001353948.2); c.3844-1G>T (NM_001353955.2, NM_001353954.2); c.3793-1G>T (NM_001353960.2); c.1438-1G>T (NM_001353961.2).
Identifiers: ClinVar variation 580764 (VCV000580764.8), dbSNP rs1559140855, ClinGen allele CA349053559.